The following is an entry in ClinVar:

ClinVar aggregate classification (germline): Conflicting classifications of pathogenicity. Review status: criteria provided, conflicting classifications (1 of 4 stars). 2 submissions from 2 submitters: Uncertain significance (1); Likely benign (1). Last evaluated 2021-01-26.

Conditions:
Tuberous sclerosis 2 (TSC2). Identifiers: Orphanet 805, MedGen C1860707, MONDO:0013199, OMIM 613254.
Hereditary cancer-predisposing syndrome. Also called: Neoplastic Syndromes, Hereditary; Hereditary neoplastic syndrome; Tumor predisposition; Hereditary Cancer Syndrome. Identifiers: Orphanet 140162, MedGen C0027672, MeSH D009386, MONDO:0015356.

Submissions (2):

Ambry Genetics
Classification: Likely benign for Hereditary cancer-predisposing syndrome. Last evaluated: 2021-01-26. Review status: criteria provided, single submitter. Criteria: Ambry Variant Classification Scheme 2023. Collection method: clinical testing. Allele origin: germline.

Labcorp Genetics (formerly Invitae), Labcorp
Classification: Uncertain significance for Tuberous sclerosis 2. Last evaluated: 2018-08-05. Review status: criteria provided, single submitter. Criteria: Invitae Variant Classification Sherloc (09022015). Collection method: clinical testing. Allele origin: germline.
Comment: This sequence change replaces arginine with serine at codon 413 of the TSC2 protein (p.Arg413Ser). The arginine residue is moderately conserved and there is a moderate physicochemical difference between arginine and serine. This variant is not present in population databases (ExAC no frequency). This variant has not been reported in the literature in individuals with TSC2-related disease. Algorithms developed to predict the effect of missense changes on protein structure and function output the following: SIFT: "Tolerated"; PolyPhen-2: "Benign"; Align-GVGD: "Class C0". The serine amino acid residue is found in multiple mammalian species, suggesting that this missense change does not adversely affect protein function. These predictions have not been confirmed by published functional studies and their clinical significance is uncertain. In summary, the available evidence is currently insufficient to determine the role of this variant in disease. Therefore, it has been classified as a Variant of Uncertain Significance.

NM_000548.5(TSC2):c.1239A>T (p.Arg413Ser)

Gene: TSC2 (TSC complex subunit 2; plus strand). Cytogenetic location: 16p13.3.
Variant type: single nucleotide variant.
Coding change: c.1239A>T on transcript NM_000548.5 (MANE Select); coding-DNA position 1239, A replaced by T.
Protein change: p.Arg413Ser; replaces arginine 413 with serine.
Molecular consequence: missense variant.
Genome position (GRCh38, 1-based): chr16:2,061,990, A>T. VCF-style: chr16-2061990-A-T. GRCh37 (hg19) VCF-style: chr16-2111991-A-T.
Other names: c.1239A>T, p.Arg413Ser (NM_001077183.3, NM_001114382.3, NM_001363528.2 and 3 more transcripts); c.1128A>T, p.Arg376Ser (NM_001318827.2); c.1092A>T, p.Arg364Ser (NM_001318829.2); c.639A>T, p.Arg213Ser (NM_001318831.2); c.1272A>T, p.Arg424Ser (NM_001318832.2); short protein forms R376S, R364S, R213S, R413S, R424S.
Identifiers: ClinVar variation 663123 (VCV000663123.11), dbSNP rs1596303739, ClinGen allele CA394321372.